The following is an entry in ClinVar:

NM_006899.5(IDH3B):c.1030A>G (p.Met344Val)

Gene: IDH3B (isocitrate dehydrogenase (NAD(+)) 3 non-catalytic subunit beta; minus strand). Cytogenetic location: 20p13.
Variant type: single nucleotide variant.
Coding change: c.1030A>G on transcript NM_006899.5 (MANE Select); coding-DNA position 1030, A replaced by G.
Protein change: p.Met344Val; replaces methionine 344 with valine.
Molecular consequence: missense variant. On other transcripts: non-coding transcript variant (1).
Genome position (GRCh38, 1-based): chr20:2,659,566, T>C on the plus strand (A>G on the coding strand, the complement: IDH3B is on the minus strand). VCF-style: chr20-2659566-T-C. GRCh37 (hg19) VCF-style: chr20-2640212-T-C.
Other names: c.1030A>G, p.Met344Val (NM_001258384.3, NM_001330763.2, NM_174855.4); short protein forms M344V.
Identifiers: ClinVar variation 1906572 (VCV001906572.3), dbSNP rs373711910, ClinGen allele CA9735089.

ClinVar aggregate classification (germline): Uncertain significance. Review status: criteria provided, multiple submitters, no conflicts (2 of 4 stars). 2 submissions from 2 submitters: Uncertain significance (2). Last evaluated 2022-10-25.

Allele frequency attached by ClinVar (database versions not stated): gnomAD exomes below 0.00001; TOPMed below 0.00001; ExAC 0.00001; gnomAD 0.00001; ESP Exome Variant Server 0.00008.
gnomAD v4.1: 7 of 1,614,124 alleles (0.00043%); highest among the groups gnomAD compares: South Asian, 0.0044%; no homozygotes.

Submissions (2):

Labcorp Genetics (formerly Invitae), Labcorp
Classification: Uncertain significance. Last evaluated: 2022-10-25. Review status: criteria provided, single submitter. Criteria: Invitae Variant Classification Sherloc (09022015). Collection method: clinical testing. Allele origin: germline.
Comment: This sequence change replaces methionine, which is neutral and non-polar, with valine, which is neutral and non-polar, at codon 344 of the IDH3B protein (p.Met344Val). This variant is present in population databases (rs373711910, gnomAD 0.006%). This variant has not been reported in the literature in individuals affected with IDH3B-related conditions. Advanced modeling of protein sequence and biophysical properties (such as structural, functional, and spatial information, amino acid conservation, physicochemical variation, residue mobility, and thermodynamic stability) performed at Invitae indicates that this missense variant is not expected to disrupt IDH3B protein function. In summary, the available evidence is currently insufficient to determine the role of this variant in disease. Therefore, it has been classified as a Variant of Uncertain Significance.

Blueprint Genetics
Classification: Uncertain significance. Last evaluated: 2021-12-28. Review status: criteria provided, single submitter. Criteria: ACMG Guidelines, 2015. Collection method: clinical testing. Allele origin: germline.